The following is an entry in ClinVar:

ClinVar aggregate classification (germline): Pathogenic (1 of 4 stars; one submission).

Allele frequency attached by ClinVar (database versions not stated): gnomAD exomes below 0.00001.
gnomAD v4.1: 1 of 1,521,044 alleles (0.000066%); highest among the groups gnomAD compares: South Asian, 0.0012%; no homozygotes.

Submission:

Labcorp Genetics (formerly Invitae), Labcorp
Classification: Pathogenic. Last evaluated: 2024-11-05. Review status: criteria provided, single submitter. Criteria: Invitae Variant Classification Sherloc (09022015). Collection method: clinical testing. Allele origin: germline.
Comment: This sequence change affects an acceptor splice site in intron 12 of the PDE6B gene. It is expected to disrupt RNA splicing. Variants that disrupt the donor or acceptor splice site typically lead to a loss of protein function (PMID: 16199547), and loss-of-function variants in PDE6B are known to be pathogenic (PMID: 8394174, 8595886, 22334370). This variant is not present in population databases (gnomAD no frequency). Disruption of this splice site has been observed in individuals with autosomal recessive retinitis pigmentosa (PMID: 24938718). ClinVar contains an entry for this variant (Variation ID: 1451206). Algorithms developed to predict the effect of sequence changes on RNA splicing suggest that this variant may disrupt the consensus splice site. For these reasons, this variant has been classified as Pathogenic.

Literature cited by the submitters: PubMed 16199547; PubMed 8394174; PubMed 8595886; PubMed 22334370; PubMed 24938718.

NM_000283.4(PDE6B):c.1615-1G>C

Gene: PDE6B (phosphodiesterase 6B; plus strand). Cytogenetic location: 4p16.3.
Variant type: single nucleotide variant.
Coding change: c.1615-1G>C on transcript NM_000283.4 (MANE Select); the canonical splice acceptor site of the intron before coding-DNA position 1615, G replaced by C.
Molecular consequence: splice acceptor variant.
Genome position (GRCh38, 1-based): chr4:662,133, G>C. VCF-style: chr4-662133-G-C. GRCh37 (hg19) VCF-style: chr4-655922-G-C.
Other names: c.1615-1G>C (NM_001145291.2); c.778-1G>C (NM_001379246.1, NM_001379247.1, NM_001145292.2 and 1 more transcripts); c.460-1G>C (NM_001350155.3).
Identifiers: ClinVar variation 1451206 (VCV001451206.8), dbSNP rs2109252915, ClinGen allele CA355916511.